The following is an entry in ClinVar:

NM_001271938.2(MEGF8):c.634del (p.Ala212fs)

Gene: MEGF8 (multiple EGF like domains 8; plus strand). Cytogenetic location: 19q13.2.
Variant type: Deletion.
Coding change: c.634del on transcript NM_001271938.2 (MANE Select); coding-DNA position 634, one base deleted (G; older notation c.634delG).
Protein change: p.Ala212fs; shifts the reading frame from alanine 212.
Molecular consequence: frameshift variant.
Genome position (GRCh38, 1-based): chr19:42,335,110, G deleted; the last of 5 consecutive G bases (chr19:42,335,106-42,335,110); deleting any one gives the same sequence. VCF-style (leftmost placement, unchanged base first): chr19-42335105-AG-A. GRCh37 (hg19) VCF-style: chr19-42839257-AG-A.
Other names: c.634del, p.Ala212fs (NM_001410.3); short protein forms A212fs.
Identifiers: ClinVar variation 4294361 (VCV004294361.1).

ClinVar aggregate classification (germline): Pathogenic (1 of 4 stars; one submission).

Conditions:
MEGF8-related Carpenter syndrome. Also called: Carpenter syndrome 2. Identifiers: Orphanet 65759, MedGen C3554247, MONDO:0013998, OMIM 614976.

Submission:

Laboratoire Génétique Moléculaire, CHRU TOURS
Classification: Pathogenic for MEGF8-related Carpenter syndrome. Last evaluated: 2023-06-16. Review status: criteria provided, single submitter. Criteria: ACMG Guidelines, 2015. Collection method: clinical testing. Allele origin: paternal. Affected: yes.
Comment: PVS1;PM2;PM3;PP4